The following is an entry in ClinVar:

NM_005591.4(MRE11):c.2079T>A (p.Asp693Glu)

Gene: MRE11 (MRE11 double strand break repair nuclease; minus strand). Cytogenetic location: 11q21.
Variant type: single nucleotide variant.
Coding change: c.2079T>A on transcript NM_005591.4 (MANE Select); coding-DNA position 2079, T replaced by A.
Protein change: p.Asp693Glu; replaces aspartic acid 693 with glutamic acid.
Molecular consequence: missense variant.
Genome position (GRCh38, 1-based): chr11:94,420,173, A>T on the plus strand (T>A on the coding strand, the complement: MRE11 is on the minus strand). VCF-style: chr11-94420173-A-T. GRCh37 (hg19) VCF-style: chr11-94153339-A-T.
Other names: c.2076T>A, p.Asp692Glu (NM_001330347.2); c.1995T>A, p.Asp665Glu (NM_005590.4); short protein forms D693E, D665E, D692E.
Identifiers: ClinVar variation 820668 (VCV000820668.4), dbSNP rs1354524779, ClinGen allele CA382372604.

ClinVar aggregate classification (germline): Uncertain significance (1 of 4 stars; one submission).

Conditions:
Hereditary cancer-predisposing syndrome. Also called: Neoplastic Syndromes, Hereditary; Tumor predisposition; Hereditary Cancer Syndrome; Hereditary neoplastic syndrome. Identifiers: Orphanet 140162, MedGen C0027672, MeSH D009386, MONDO:0015356.

Submission:

Ambry Genetics
Classification: Uncertain significance for Hereditary cancer-predisposing syndrome. Last evaluated: 2019-09-26. Review status: criteria provided, single submitter. Criteria: Ambry Variant Classification Scheme 2023. Collection method: clinical testing. Allele origin: germline.
Comment: The p.D693E variant (also known as c.2079T>A), located in coding exon 19 of the MRE11A gene, results from a T to A substitution at nucleotide position 2079. The aspartic acid at codon 693 is replaced by glutamic acid, an amino acid with highly similar properties. This amino acid position is highly conserved in available vertebrate species. In addition, this alteration is predicted to be tolerated by in silico analysis. Since supporting evidence is limited at this time, the clinical significance of this alteration remains unclear.